The following is an entry in ClinVar:

NM_000059.4(BRCA2):c.7590A>G (p.Gln2530=)

Gene: BRCA2 (BRCA2 DNA repair associated; plus strand). Cytogenetic location: 13q13.1.
Variant type: single nucleotide variant.
Coding change: c.7590A>G on transcript NM_000059.4 (MANE Select); coding-DNA position 7590, A replaced by G.
Protein change: p.Gln2530=; no amino-acid change (glutamine 2530 retained).
Molecular consequence: synonymous variant.
Genome position (GRCh38, 1-based): chr13:32,356,582, A>G. VCF-style: chr13-32356582-A-G. GRCh37 (hg19) VCF-style: chr13-32930719-A-G.
Identifiers: ClinVar variation 531479 (VCV000531479.15), dbSNP rs786202429, ClinGen allele CA483260450.

ClinVar aggregate classification (germline): Likely benign. Review status: criteria provided, multiple submitters, no conflicts (2 of 4 stars). 4 submissions from 4 submitters: Likely benign (4). Last evaluated 2025-06-23.

Conditions:
Breast-ovarian cancer, familial, susceptibility to, 2 (BROVCA2). Also called: BRCA2 Hereditary Breast and Ovarian Cancer. Identifiers: Orphanet 145, MedGen C2675520, MONDO:0012933, OMIM 612555. Disease mechanism: loss of function.
Hereditary cancer-predisposing syndrome. Also called: Neoplastic Syndromes, Hereditary; Hereditary neoplastic syndrome; Tumor predisposition; Hereditary Cancer Syndrome. Identifiers: Orphanet 140162, MedGen C0027672, MeSH D009386, MONDO:0015356.
Hereditary breast ovarian cancer syndrome. Also called: Hereditary breast and ovarian cancer syndrome; Hereditary breast and ovarian cancer syndrome (HBOC); BRCA1- and BRCA2-Associated Hereditary Breast and Ovarian Cancer; Hereditary breast and ovarian cancer; Breast and ovarian cancer; Hereditary breast and/or ovarian cancer syndrome. Identifiers: Orphanet 145, MedGen C0677776, MeSH D061325, MONDO:0003582. Disease mechanism: loss of function.

Allele frequency attached by ClinVar (database versions not stated): gnomAD exomes below 0.00001.
gnomAD v4.1: 2 of 1,614,230 alleles (0.00012%); highest among the groups gnomAD compares: South Asian, 0.0011%; no homozygotes.

Submissions (4):

Ambry Genetics
Classification: Likely benign for Hereditary cancer-predisposing syndrome. Last evaluated: 2025-06-23. Review status: criteria provided, single submitter. Criteria: Ambry Variant Classification Scheme 2023. Collection method: clinical testing. Allele origin: germline.

Quest Diagnostics Nichols Institute San Juan Capistrano
Classification: Likely benign. Last evaluated: 2025-01-30. Review status: criteria provided, single submitter. Criteria: Quest Diagnostics criteria. Collection method: clinical testing. Allele origin: unknown.

All of Us Research Program, National Institutes of Health
Classification: Likely benign for Breast-ovarian cancer, familial, susceptibility to, 2. Last evaluated: 2023-02-24. Review status: criteria provided, single submitter. Criteria: ACMG Guidelines, 2015. Collection method: clinical testing. Allele origin: germline. Inheritance: Autosomal dominant inheritance. Observed: 1 variant allele, 1 heterozygote.
Comment: This study involves interpretation of variants in research participants for the purpose of population health screening. Participant phenotype was not available at the time of variant classification. Additional details can be found in publication PMID: 35346344, PMCID: PMC8962531

Labcorp Genetics (formerly Invitae), Labcorp
Classification: Likely benign for Hereditary breast ovarian cancer syndrome. Last evaluated: 2019-07-25. Review status: criteria provided, single submitter. Criteria: Invitae Variant Classification Sherloc (09022015). Collection method: clinical testing. Allele origin: germline.